The following is an entry in ClinVar:

NM_032153.6(ZIC4):c.149C>G (p.Pro50Arg)

Gene: ZIC4 (Zic family zinc finger 4; minus strand). Cytogenetic location: 3q24.
Variant type: single nucleotide variant.
Coding change: c.149C>G on transcript NM_032153.6 (MANE Select); coding-DNA position 149, C replaced by G.
Protein change: p.Pro50Arg; replaces proline 50 with arginine.
Molecular consequence: missense variant. On other transcripts: intron variant (1).
Genome position (GRCh38, 1-based): chr3:147,396,391, G>C on the plus strand (C>G on the coding strand, the complement: ZIC4 is on the minus strand). VCF-style: chr3-147396391-G-C. GRCh37 (hg19) VCF-style: chr3-147114178-G-C.
Other names: c.299C>G, p.Pro100Arg (NM_001168378.1); c.263C>G, p.Pro88Arg (NM_001168379.2); c.71-5145C>G (NM_001243256.2); short protein forms P50R, P88R, P100R.
Identifiers: ClinVar variation 2411693 (VCV002411693.4), dbSNP rs1467651663, ClinGen allele CA354893543.

ClinVar aggregate classification (germline): Uncertain significance. Review status: criteria provided, multiple submitters, no conflicts (2 of 4 stars). 2 submissions from 2 submitters: Uncertain significance (2). Last evaluated 2024-10-13.

Allele frequency attached by ClinVar (database versions not stated): gnomAD exomes 0.00001; TOPMed 0.00002.
gnomAD v4.1: 12 of 1,528,752 alleles (0.00078%); highest among the groups gnomAD compares: Middle Eastern, 0.018%; no homozygotes.

Submissions (2):

Labcorp Genetics (formerly Invitae), Labcorp
Classification: Uncertain significance. Last evaluated: 2024-10-13. Review status: criteria provided, single submitter. Criteria: Invitae Variant Classification Sherloc (09022015). Collection method: clinical testing. Allele origin: germline.
Comment: This sequence change replaces proline, which is neutral and non-polar, with arginine, which is basic and polar, at codon 100 of the ZIC4 protein (p.Pro100Arg). This variant is present in population databases (no rsID available, gnomAD 0.02%). This variant has not been reported in the literature in individuals affected with ZIC4-related conditions. ClinVar contains an entry for this variant (Variation ID: 2411693). An algorithm developed to predict the effect of missense changes on protein structure and function (PolyPhen-2) suggests that this variant is likely to be tolerated. In summary, the available evidence is currently insufficient to determine the role of this variant in disease. Therefore, it has been classified as a Variant of Uncertain Significance.

Ambry Genetics
Classification: Uncertain significance. Last evaluated: 2022-08-17. Review status: criteria provided, single submitter. Criteria: Ambry Variant Classification Scheme 2023. Collection method: clinical testing. Allele origin: germline.